The following is an entry in ClinVar:

NM_032119.4(ADGRV1):c.7413C>A (p.Ser2471Arg)

Gene: ADGRV1 (adhesion G protein-coupled receptor V1; plus strand). Cytogenetic location: 5q14.3.
Variant type: single nucleotide variant.
Coding change: c.7413C>A on transcript NM_032119.4 (MANE Select); coding-DNA position 7413, C replaced by A.
Protein change: p.Ser2471Arg; replaces serine 2471 with arginine.
Molecular consequence: missense variant. On other transcripts: non-coding transcript variant (1).
Genome position (GRCh38, 1-based): chr5:90,694,169, C>A. VCF-style: chr5-90694169-C-A. GRCh37 (hg19) VCF-style: chr5-89989986-C-A.
Other names: short protein forms S2471R.
Identifiers: ClinVar variation 598769 (VCV000598769.4), dbSNP rs746779681, ClinGen allele CA360377200.

ClinVar aggregate classification (germline): Uncertain significance. Review status: criteria provided, multiple submitters, no conflicts (2 of 4 stars). 2 submissions from 2 submitters: Uncertain significance (2). Last evaluated 2023-09-27.

Conditions:
Febrile seizures, familial, 4 (FEB4). Also called: CONVULSIONS, FAMILIAL FEBRILE, 4. Identifiers: MedGen C1858493, MONDO:0011443, OMIM 604352.

gnomAD v4.1: 1 of 1,613,834 alleles (0.000062%); highest among the groups gnomAD compares: Non-Finnish European, 0.000085%; no homozygotes.

Submissions (2):

Labcorp Genetics (formerly Invitae), Labcorp
Classification: Uncertain significance. Last evaluated: 2023-09-27. Review status: criteria provided, single submitter. Criteria: Invitae Variant Classification Sherloc (09022015). Collection method: clinical testing. Allele origin: germline.
Comment: In summary, the available evidence is currently insufficient to determine the role of this variant in disease. Therefore, it has been classified as a Variant of Uncertain Significance. An algorithm developed to predict the effect of missense changes on protein structure and function (PolyPhen-2) suggests that this variant is likely to be tolerated. ClinVar contains an entry for this variant (Variation ID: 598769). This variant has not been reported in the literature in individuals affected with ADGRV1-related conditions. This variant is not present in population databases (gnomAD no frequency). This sequence change replaces serine, which is neutral and polar, with arginine, which is basic and polar, at codon 2471 of the ADGRV1 protein (p.Ser2471Arg).

MVZ Martinsried, Medicover Genetics
Classification: Uncertain significance for Febrile seizures, familial, 4. Last evaluated: 2018-07-13. Review status: criteria provided, single submitter. Criteria: ACMG Guidelines, 2015. Collection method: clinical testing. Allele origin: paternal. Affected: yes.